The following is an entry in ClinVar:

NM_152384.3(BBS5):c.738A>C (p.Ser246=)

Gene: BBS5 (Bardet-Biedl syndrome 5; plus strand). Cytogenetic location: 2q31.1.
Variant type: single nucleotide variant.
Coding change: c.738A>C on transcript NM_152384.3 (MANE Select); coding-DNA position 738, A replaced by C.
Protein change: p.Ser246=; no amino-acid change (serine 246 retained).
Molecular consequence: synonymous variant.
Genome position (GRCh38, 1-based): chr2:169,499,542, A>C. VCF-style: chr2-169499542-A-C. GRCh37 (hg19) VCF-style: chr2-170356052-A-C.
Identifiers: ClinVar variation 4996376 (VCV004996376.1).
Genomic context (GRCh38, chr2:169,499,542, plus strand): 5'-GTAGAGTGGTGGATATGTTCTTGGCTTTAAAATAGATCCTGTGGAAAAACTACAAGAATC[A>C]GTTAAGGAAATCAATTCACTTCACAAAGTCTATTCTGCCAGTCCCATATTTGGAGTTGAT-3'
Protein context (NP_689597.1, residues 236-256): KIDPVEKLQE[Ser246=]VKEINSLHKV

ClinVar aggregate classification (germline): Likely benign (1 of 4 stars; one submission).

Conditions:
BBS5-related disorder. Also called: BBS5-related condition.

Submission:

PreventionGenetics, part of Exact Sciences
Classification: Likely benign for BBS5-related condition. Last evaluated: 2026-03-27. Review status: criteria provided, single submitter. Criteria: ACMG Guidelines, 2015. Collection method: clinical testing. Allele origin: germline.
Comment: This variant is classified as likely benign based on ACMG/AMP sequence variant interpretation guidelines (Richards et al. 2015 PMID: 25741868, with internal and published modifications).